The following is an entry in ClinVar:

NM_001903.5(CTNNA1):c.1660C>G (p.His554Asp)

Gene: CTNNA1 (catenin alpha 1; plus strand). Cytogenetic location: 5q31.2.
Variant type: single nucleotide variant.
Coding change: c.1660C>G on transcript NM_001903.5 (MANE Select); coding-DNA position 1660, C replaced by G.
Protein change: p.His554Asp; replaces histidine 554 with aspartic acid.
Molecular consequence: missense variant.
Genome position (GRCh38, 1-based): chr5:138,924,623, C>G. VCF-style: chr5-138924623-C-G. GRCh37 (hg19) VCF-style: chr5-138260312-C-G.
Other names: c.550C>G, p.His184Asp (NM_001324005.1, NM_001290312.1, NM_001323987.1 and 17 more transcripts); c.211C>G, p.His71Asp (NM_001324006.1, NM_001324007.1, NM_001324008.1 and 2 more transcripts); c.457C>G, p.His153Asp (NM_001324011.1); c.307C>G, p.His103Asp (NM_001324012.1, NM_001324013.1); c.1660C>G, p.His554Asp (NM_001290307.3, NM_001323982.2, NM_001323983.1 and 2 more transcripts); c.1351C>G, p.His451Asp (NM_001290309.3); c.1291C>G, p.His431Asp (NM_001290310.3); c.1567C>G, p.His523Asp (NM_001323986.2); short protein forms H103D, H153D, H184D, H431D, H523D, H554D, H451D, H71D.
Identifiers: ClinVar variation 2694391 (VCV002694391.3), dbSNP rs756832179, ClinGen allele CA361131915.
Genomic context (GRCh38, chr5:138,924,623, plus strand): 5'-GATGTGGATGGCCTGGACCGCACAGCTGGTGCAATTCGAGGCCGGGCAGCCCGGGTCATT[C>G]ACGTAGTCACCTCAGAGATGGACAACTATGAGCCAGGAGTCTACACAGAGAAGGTTCTGG-3'
Protein context (NP_001894.2, residues 544-564): AIRGRAARVI[His554Asp]VVTSEMDNYE

ClinVar aggregate classification (germline): Uncertain significance (1 of 4 stars; one submission).

Submission:

Labcorp Genetics (formerly Invitae), Labcorp
Classification: Uncertain significance. Last evaluated: 2024-08-28. Review status: criteria provided, single submitter. Criteria: Invitae Variant Classification Sherloc (09022015). Collection method: clinical testing. Allele origin: germline.
Comment: This sequence change replaces histidine, which is basic and polar, with aspartic acid, which is acidic and polar, at codon 554 of the CTNNA1 protein (p.His554Asp). This variant is not present in population databases (gnomAD no frequency). This variant has not been reported in the literature in individuals affected with CTNNA1-related conditions. Invitae Evidence Modeling of protein sequence and biophysical properties (such as structural, functional, and spatial information, amino acid conservation, physicochemical variation, residue mobility, and thermodynamic stability) indicates that this missense variant is not expected to disrupt CTNNA1 protein function with a negative predictive value of 80%. In summary, the available evidence is currently insufficient to determine the role of this variant in disease. Therefore, it has been classified as a Variant of Uncertain Significance.